The following is an entry in ClinVar:

ClinVar aggregate classification (germline): Uncertain significance (1 of 4 stars; one submission).

Conditions:
Hereditary cancer-predisposing syndrome. Also called: Neoplastic Syndromes, Hereditary; Tumor predisposition; Hereditary Cancer Syndrome; Hereditary neoplastic syndrome. Identifiers: Orphanet 140162, MedGen C0027672, MeSH D009386, MONDO:0015356.

Submission:

Labcorp Genetics (formerly Invitae), Labcorp
Classification: Uncertain significance for Hereditary cancer-predisposing syndrome. Last evaluated: 2017-08-22. Review status: criteria provided, single submitter. Criteria: Invitae Variant Classification Sherloc (09022015). Collection method: clinical testing. Allele origin: germline.
Comment: In summary, the available evidence is currently insufficient to determine the role of this variant in disease. Therefore, it has been classified as a Variant of Uncertain Significance. Algorithms developed to predict the effect of missense changes on protein structure and function do not agree on the potential impact of this missense change (SIFT: "Tolerated"; PolyPhen-2: "Possibly Damaging"; Align-GVGD: "Class C0"). This variant has not been reported in the literature in individuals with RAD50-related disease. This variant is not present in population databases (ExAC no frequency). This sequence change replaces valine with methionine at codon 892 of the RAD50 protein (p.Val892Met). The valine residue is moderately conserved and there is a small physicochemical difference between valine and methionine.

NM_005732.4(RAD50):c.2674G>A (p.Val892Met)

Gene: RAD50 (RAD50 double strand break repair protein; plus strand). Cytogenetic location: 5q31.1.
Variant type: single nucleotide variant.
Coding change: c.2674G>A on transcript NM_005732.4 (MANE Select); coding-DNA position 2674, G replaced by A.
Protein change: p.Val892Met; replaces valine 892 with methionine.
Molecular consequence: missense variant.
Genome position (GRCh38, 1-based): chr5:132,604,955, G>A. VCF-style: chr5-132604955-G-A. GRCh37 (hg19) VCF-style: chr5-131940647-G-A.
Other names: short protein forms V892M.
Identifiers: ClinVar variation 527334 (VCV000527334.9), dbSNP rs1554099197, ClinGen allele CA360956830.